The following is an entry in ClinVar:

NM_198253.3(TERT):c.2654+10G>A

Gene: TERT (telomerase reverse transcriptase; minus strand). Cytogenetic location: 5p15.33.
Variant type: single nucleotide variant.
Coding change: c.2654+10G>A on transcript NM_198253.3 (MANE Select); 10 bases into the intron after coding-DNA position 2654, G replaced by A.
Molecular consequence: intron variant.
Genome position (GRCh38, 1-based): chr5:1,266,454, C>T on the plus strand (G>A on the coding strand, the complement: TERT is on the minus strand). VCF-style: chr5-1266454-C-T. GRCh37 (hg19) VCF-style: chr5-1266569-C-T.
Other names: p.?; c.2654+10G>A (NM_001193376.3).
Identifiers: ClinVar variation 350633 (VCV000350633.18), dbSNP rs375473823, ClinGen allele CA3184437.

ClinVar aggregate classification (germline): Conflicting classifications of pathogenicity. Review status: criteria provided, conflicting classifications (1 of 4 stars). 6 submissions from 4 submitters: Uncertain significance (2); Benign (1); Likely benign (2). 1 of the submissions does not count toward it. Last evaluated 2026-02-02.

Conditions:
Dyskeratosis congenita, autosomal dominant 2. Identifiers: MedGen C3151443, MONDO:0013521, OMIM 613989.
Idiopathic Pulmonary Fibrosis. Also called: Idiopathic fibrosing alveolitis, chronic form; idiopathic fibrosing alveolitis. Identifiers: Orphanet 2032, MedGen C1800706, MeSH D054990, MONDO:0800504.
Aplastic anemia. Identifiers: Orphanet 182040, Orphanet 88, MedGen C0002874, MONDO:0015909, OMIM 609135, HP:0001915.
TERT-related disorder. Also called: TERT-related condition; TERT-related disorders.
Pulmonary fibrosis and/or bone marrow failure, Telomere-related, 1. Also called: PULMONARY FIBROSIS AND/OR BONE MARROW FAILURE SYNDROME, TELOMERE-RELATED, 1. Identifiers: Orphanet 88, MedGen C3553617, MONDO:0013878, OMIM 614742.

Allele frequency attached by ClinVar (database versions not stated): gnomAD 0.00006; gnomAD exomes 0.00006; ESP Exome Variant Server 0.00008; ExAC 0.00009; TOPMed 0.00009.
gnomAD v4.1: 104 of 1,603,624 alleles (0.0065%); highest among the groups gnomAD compares: Admixed American, 0.019%; no homozygotes.

Submissions (6):

Labcorp Genetics (formerly Invitae), Labcorp
Classification: Likely benign for Dyskeratosis congenita, autosomal dominant 2; Idiopathic Pulmonary Fibrosis. Last evaluated: 2026-02-02. Review status: criteria provided, single submitter. Criteria: Invitae Variant Classification Sherloc (09022015). Collection method: clinical testing. Allele origin: germline.

Mayo Clinic Laboratories, Mayo Clinic
Classification: Likely benign. Last evaluated: 2025-05-23. Review status: criteria provided, single submitter. Criteria: ACMG Guidelines, 2015. Collection method: clinical testing. Allele origin: germline. Observed: 1 variant allele.
Comment: BP4, BP7

Illumina Laboratory Services, Illumina
Classification: Benign for Pulmonary fibrosis and/or bone marrow failure, Telomere-related, 1. Last evaluated: 2018-01-13. Review status: criteria provided, single submitter. Criteria: ICSL Variant Classification Criteria 13 December 2019. Collection method: clinical testing. Allele origin: germline.
Comment: This variant was observed in the ICSL laboratory as part of a predisposition screen in an ostensibly healthy population. It had not been previously curated by ICSL or reported in the Human Gene Mutation Database (HGMD: prior to June 1st, 2018), and was therefore a candidate for classification through an automated scoring system. Utilizing variant allele frequency, disease prevalence and penetrance estimates, and inheritance mode, an automated score was calculated to assess if this variant is too frequent to cause the disease. Based on the score and internal cut-off values, a variant classified as benign is not then subjected to further curation. The score for this variant resulted in a classification of benign for this disease.

Illumina Laboratory Services, Illumina
Classification: Uncertain significance for Aplastic anemia. Last evaluated: 2018-01-13. Review status: criteria provided, single submitter. Criteria: ICSL Variant Classification Criteria 13 December 2019. Collection method: clinical testing. Allele origin: germline.

Illumina Laboratory Services, Illumina
Classification: Uncertain significance for Dyskeratosis congenita, autosomal dominant 2. Last evaluated: 2018-01-13. Review status: criteria provided, single submitter. Criteria: ICSL Variant Classification Criteria 13 December 2019. Collection method: clinical testing. Allele origin: germline.

PreventionGenetics, part of Exact Sciences
Classification: Likely benign for TERT-related condition. Last evaluated: 2020-02-20. Review status: no assertion criteria provided. Collection method: clinical testing. Allele origin: germline. Not counted in ClinVar's aggregate classification.
Comment: This variant is classified as likely benign based on ACMG/AMP sequence variant interpretation guidelines (Richards et al. 2015 PMID: 25741868, with internal and published modifications).